The following is an entry in ClinVar:

ClinVar aggregate classification (germline): Likely benign. Review status: criteria provided, multiple submitters, no conflicts (2 of 4 stars). 2 submissions from 2 submitters: Likely benign (2). Last evaluated 2024-05-07.

Conditions:
Familial cancer of breast. Also called: hereditary breast carcinoma; BREAST CANCER, FAMILIAL; Hereditary breast cancer. Identifiers: Orphanet 227535, MedGen C0346153, MONDO:0016419, OMIM 114480. Disease mechanism: loss of function.
Ataxia-telangiectasia syndrome (AT). Also called: Cerebello-oculocutaneous telangiectasia; Immunodeficiency with ataxia telangiectasia; Ataxia telangiectasia (A-T); LOUIS-BAR SYNDROME; Ataxia-telangiectasia, complementation group D; AT, COMPLEMENTATION GROUP C. Identifiers: Orphanet 100, MedGen C0004135, MONDO:0008840, OMIM 208900.

Allele frequency attached by ClinVar (database versions not stated): gnomAD exomes below 0.00001.
gnomAD v4.1: 1 of 1,581,332 alleles (0.000063%); no homozygotes.

Submissions (2):

Myriad Genetics, Inc.
Classification: Likely benign for Familial cancer of breast. Last evaluated: 2024-05-07. Review status: criteria provided, single submitter. Criteria: Myriad Autosomal Dominant, Autosomal Recessive and X-Linked Classification Criteria (2023). Collection method: clinical testing. Allele origin: unknown.
Comment: This variant is considered likely benign. This variant is intronic and is not expected to impact mRNA splicing.

Labcorp Genetics (formerly Invitae), Labcorp
Classification: Likely benign for Ataxia-telangiectasia syndrome. Last evaluated: 2022-07-19. Review status: criteria provided, single submitter. Criteria: Invitae Variant Classification Sherloc (09022015). Collection method: clinical testing. Allele origin: germline.

NM_000051.4(ATM):c.2125-15G>T

Gene: ATM (ATM serine/threonine kinase; plus strand). Cytogenetic location: 11q22.3.
Variant type: single nucleotide variant.
Coding change: c.2125-15G>T on transcript NM_000051.4 (MANE Select); 15 bases into the intron before coding-DNA position 2125, G replaced by T.
Molecular consequence: intron variant.
Genome position (GRCh38, 1-based): chr11:108,256,200, G>T. VCF-style: chr11-108256200-G-T. GRCh37 (hg19) VCF-style: chr11-108126927-G-T.
Other names: c.2125-15G>T (NM_001351834.2).
Identifiers: ClinVar variation 2017741 (VCV002017741.5), dbSNP rs2135391590, ClinGen allele CA2580083300.
Genomic context (GRCh38, chr11:108,256,200, plus strand): 5'-TTTGTTCTTACAAAAGATAGAGTATACTAAATTATTTATGAAATATATATATTTTTATTT[G>T]TGGTTTACTTTAAGATTACAAATTCAGAAACTCTTGTCCGGTGTTCACGTCTTTTGGTGG-3'